The following is an entry in ClinVar:

NM_001142800.2(EYS):c.5928-3C>T

Gene: EYS (EGF-like photoreceptor maintenance factor; minus strand). Cytogenetic location: 6q12.
Variant type: single nucleotide variant.
Coding change: c.5928-3C>T on transcript NM_001142800.2 (MANE Select); 3 bases into the intron before coding-DNA position 5928, C replaced by T.
Molecular consequence: intron variant.
Genome position (GRCh38, 1-based): chr6:64,388,843, G>A on the plus strand (C>T on the coding strand, the complement: EYS is on the minus strand). VCF-style: chr6-64388843-G-A. GRCh37 (hg19) VCF-style: chr6-65098736-G-A.
Other names: c.5928-3C>T (NM_001292009.2).
Identifiers: ClinVar variation 3002781 (VCV003002781.3), dbSNP rs1387828690, ClinGen allele CA567736240.

ClinVar aggregate classification (germline): Uncertain significance (1 of 4 stars; one submission).

Allele frequency attached by ClinVar (database versions not stated): gnomAD exomes below 0.00001; TOPMed 0.00001.
gnomAD v4.1: 6 of 1,483,478 alleles (0.0004%); highest among the groups gnomAD compares: Admixed American, 0.0024%; no homozygotes.

Submission:

Labcorp Genetics (formerly Invitae), Labcorp
Classification: Uncertain significance. Last evaluated: 2023-10-07. Review status: criteria provided, single submitter. Criteria: Invitae Variant Classification Sherloc (09022015). Collection method: clinical testing. Allele origin: germline.
Comment: This sequence change falls in intron 28 of the EYS gene. It does not directly change the encoded amino acid sequence of the EYS protein. It affects a nucleotide within the consensus splice site. This variant is not present in population databases (gnomAD no frequency). This variant has not been reported in the literature in individuals affected with EYS-related conditions. Variants that disrupt the consensus splice site are a relatively common cause of aberrant splicing (PMID: 17576681, 9536098). Algorithms developed to predict the effect of sequence changes on RNA splicing suggest that this variant is not likely to affect RNA splicing. In summary, the available evidence is currently insufficient to determine the role of this variant in disease. Therefore, it has been classified as a Variant of Uncertain Significance.

Literature cited by the submitters: PubMed 17576681; PubMed 9536098.